The following is an entry in ClinVar:

NM_018060.4(IARS2):c.55C>G (p.Arg19Gly)

Genes: IARS2 (isoleucyl-tRNA synthetase 2, mitochondrial; plus strand), LOC129932529 (ATAC-STARR-seq lymphoblastoid silent region 1823; plus strand). Cytogenetic location: 1q41.
Variant type: single nucleotide variant.
Coding change: c.55C>G on transcript NM_018060.4 (MANE Select); coding-DNA position 55, C replaced by G.
Protein change: p.Arg19Gly; replaces arginine 19 with glycine.
Molecular consequence: missense variant.
Genome position (GRCh38, 1-based): chr1:220,094,271, C>G. VCF-style: chr1-220094271-C-G. GRCh37 (hg19) VCF-style: chr1-220267613-C-G.
Other names: c.55C>G (NM_018060.3); short protein forms R19G.
Identifiers: ClinVar variation 1405840 (VCV001405840.7), dbSNP rs773732328, ClinGen allele CA1401026.

ClinVar aggregate classification (germline): Uncertain significance. Review status: criteria provided, multiple submitters, no conflicts (2 of 4 stars). 3 submissions from 3 submitters: Uncertain significance (3). Last evaluated 2021-11-26.

Conditions:
Inborn genetic diseases. Identifiers: MedGen C0950123, MeSH D030342.

Allele frequency attached by ClinVar (database versions not stated): TOPMed 0.00002.
gnomAD v4.1: 15 of 1,609,152 alleles (0.00093%); highest among the groups gnomAD compares: African/African-American, 0.0027%; no homozygotes.

Submissions (3):

Labcorp Genetics (formerly Invitae), Labcorp
Classification: Uncertain significance. Last evaluated: 2021-11-26. Review status: criteria provided, single submitter. Criteria: Invitae Variant Classification Sherloc (09022015). Collection method: clinical testing. Allele origin: germline.
Comment: This sequence change replaces arginine, which is basic and polar, with glycine, which is neutral and non-polar, at codon 19 of the IARS2 protein (p.Arg19Gly). This variant is present in population databases (rs773732328, gnomAD 0.007%). This variant has not been reported in the literature in individuals affected with IARS2-related conditions. Algorithms developed to predict the effect of missense changes on protein structure and function output the following: SIFT: "Tolerated"; PolyPhen-2: "Benign"; Align-GVGD: "Class C0". The glycine amino acid residue is found in multiple mammalian species, which suggests that this missense change does not adversely affect protein function. In summary, the available evidence is currently insufficient to determine the role of this variant in disease. Therefore, it has been classified as a Variant of Uncertain Significance.

Ambry Genetics
Classification: Uncertain significance for Inborn genetic diseases. Last evaluated: 2021-08-12. Review status: criteria provided, single submitter. Criteria: Ambry Variant Classification Scheme 2023. Collection method: clinical testing. Allele origin: germline.

Breakthrough Genomics
Classification: Uncertain significance. Review status: criteria provided, single submitter. Criteria: ACMG Guidelines, 2015. Collection method: not provided. Allele origin: germline. Inheritance: Autosomal recessive inheritance. Affected: yes.